The following is an entry in ClinVar:

NC_000014.8:g.(?_105781256)_(105781394_?)del

Genes: BRF1 (BRF1 RNA polymerase III transcription initiation factor subunit; minus strand), PACS2 (phosphofurin acidic cluster sorting protein 2; plus strand). Cytogenetic location: 14q32.33.
Variant type: Deletion.
Identifiers: ClinVar variation 2423701 (VCV002423701.4).

ClinVar aggregate classification (germline): Uncertain significance (1 of 4 stars; one submission).

Submission:

Labcorp Genetics (formerly Invitae), Labcorp
Classification: Uncertain significance. Last evaluated: 2022-06-22. Review status: criteria provided, single submitter. Criteria: Invitae Variant Classification Sherloc (09022015). Collection method: clinical testing. Allele origin: germline.
Comment: In summary, the available evidence is currently insufficient to determine the role of this variant in disease. Therefore, it has been classified as a Variant of Uncertain Significance. Experimental studies and prediction algorithms are not available or were not evaluated, and the functional significance of this variant is currently unknown. This variant has not been reported in the literature in individuals affected with PACS2-related conditions. This variant is a gross deletion of the genomic region encompassing exon(s) 1 of the PACS2 gene, which includes the initiator codon. This deletion extends beyond the assayed region for this gene and therefore may encompass additional genes. It is expected to result in an absent or disrupted protein product. However, the current clinical and genetic evidence is not sufficient to establish whether loss-of-function variants in PACS2 cause disease.